The following is an entry in ClinVar:

NM_003719.5(PDE8B):c.329C>T (p.Thr110Ile)

Gene: PDE8B (phosphodiesterase 8B; plus strand). Cytogenetic location: 5q13.3.
Variant type: single nucleotide variant.
Coding change: c.329C>T on transcript NM_003719.5 (MANE Select); coding-DNA position 329, C replaced by T.
Protein change: p.Thr110Ile; replaces threonine 110 with isoleucine.
Molecular consequence: missense variant. On other transcripts: 5 prime UTR variant (1), intron variant (13).
Genome position (GRCh38, 1-based): chr5:77,211,254, C>T. VCF-style: chr5-77211254-C-T. GRCh37 (hg19) VCF-style: chr5-76507079-C-T.
Other names: c.329C>T, p.Thr110Ile (NM_001029851.4, NM_001029852.4, NM_001029853.4 and 7 more transcripts); c.-41C>T (NM_001349753.2); c.36+30768C>T (NM_001349750.3, NM_001376069.1, NM_001376062.1 and 7 more transcripts); c.-34+1208C>T (NM_001376067.1, NM_001376075.1); c.-31+1208C>T (NM_001376068.1); short protein forms T110I.
Identifiers: ClinVar variation 1497067 (VCV001497067.8), dbSNP rs750567358, ClinGen allele CA3314849.

ClinVar aggregate classification (germline): Uncertain significance (1 of 4 stars; one submission).

Allele frequency attached by ClinVar (database versions not stated): TOPMed below 0.00001; gnomAD 0.00002.
gnomAD v4.1: 47 of 1,572,226 alleles (0.003%); highest among the groups gnomAD compares: Non-Finnish European, 0.0038%; no homozygotes.

Submission:

Labcorp Genetics (formerly Invitae), Labcorp
Classification: Uncertain significance. Last evaluated: 2023-03-24. Review status: criteria provided, single submitter. Criteria: Invitae Variant Classification Sherloc (09022015). Collection method: clinical testing. Allele origin: germline.
Comment: In summary, the available evidence is currently insufficient to determine the role of this variant in disease. Therefore, it has been classified as a Variant of Uncertain Significance. An algorithm developed to predict the effect of missense changes on protein structure and function (PolyPhen-2) suggests that this variant is likely to be tolerated. ClinVar contains an entry for this variant (Variation ID: 1497067). This variant has not been reported in the literature in individuals affected with PDE8B-related conditions. The frequency data for this variant in the population databases is considered unreliable, as metrics indicate poor data quality at this position in the gnomAD database. This sequence change replaces threonine, which is neutral and polar, with isoleucine, which is neutral and non-polar, at codon 110 of the PDE8B protein (p.Thr110Ile).